The following is an entry in ClinVar:

NM_001394372.1(BICRA):c.4400C>T (p.Pro1467Leu)

Gene: BICRA (BRD4 interacting chromatin remodeling complex associated protein; plus strand). Cytogenetic location: 19q13.33.
Variant type: single nucleotide variant.
Coding change: c.4400C>T on transcript NM_001394372.1 (MANE Select); coding-DNA position 4400, C replaced by T.
Protein change: p.Pro1467Leu; replaces proline 1467 with leucine.
Molecular consequence: missense variant.
Genome position (GRCh38, 1-based): chr19:47,702,132, C>T. VCF-style: chr19-47702132-C-T. GRCh37 (hg19) VCF-style: chr19-48205389-C-T.
Other names: c.4400C>T, p.Pro1467Leu (NM_015711.3); short protein forms P1467L.
Identifiers: ClinVar variation 3025941 (VCV003025941.23), dbSNP rs778083043, ClinGen allele CA9542409.
Genomic context (GRCh38, chr19:47,702,132, plus strand): 5'-CCCCGCCAGAGCCCGCAGCCAGCGCCGCCCAAGGCACCGGGGACCCCGACTGGGAGGCGC[C>T]CGGGCTGCCCCCTGCCAAGCGGCGCAAGTCCGAGTCGCCCGACGTGGACCAGGCCAGCTT-3'
Protein context (NP_001381301.1, residues 1457-1477): QGTGDPDWEA[Pro1467Leu]GLPPAKRRKS

ClinVar aggregate classification (germline): Likely benign. Review status: criteria provided, multiple submitters, no conflicts (2 of 4 stars). 2 submissions from 2 submitters: Likely benign (2). Last evaluated 2024-02-01.

Allele frequency attached by ClinVar (database versions not stated): gnomAD 0.00012; ExAC 0.00014; TOPMed 0.00016; gnomAD exomes 0.00046.
gnomAD v4.1: 658 of 1,536,756 alleles (0.043%); highest among the groups gnomAD compares: Non-Finnish European, 0.054%; no homozygotes.

Submissions (2):

CeGaT Center for Human Genetics Tuebingen
Classification: Likely benign. Last evaluated: 2024-02-01. Review status: criteria provided, single submitter. Criteria: CeGaT Center For Human Genetics Tuebingen Variant Classification Criteria Version 2. Collection method: clinical testing. Allele origin: germline. Affected: yes. Observed: 1 variant allele.
Comment: BICRA: BS1

Ambry Genetics
Classification: Likely benign. Last evaluated: 2022-06-06. Review status: criteria provided, single submitter. Criteria: Ambry Variant Classification Scheme 2023. Collection method: clinical testing. Allele origin: germline.